The following is an entry in ClinVar:

ClinVar aggregate classification (germline): Uncertain significance. Review status: criteria provided, multiple submitters, no conflicts (2 of 4 stars). 2 submissions from 2 submitters: Uncertain significance (2). Last evaluated 2022-02-23.

Conditions:
Cardiac anomalies - developmental delay - facial dysmorphism syndrome (MRFACD). Also called: Impaired intellectual development and distinctive facial features with or without cardiac defects; MED13L Syndrome. Identifiers: Orphanet 369891, MedGen C5192431, MONDO:0014773, OMIM 616789.
Inborn genetic diseases. Identifiers: MedGen C0950123, MeSH D030342.

Allele frequency attached by ClinVar (database versions not stated): gnomAD exomes below 0.00001; TOPMed below 0.00001; gnomAD 0.00001; ExAC 0.00002.
gnomAD v4.1: 8 of 1,614,050 alleles (0.0005%); highest among the groups gnomAD compares: Non-Finnish European, 0.00068%; no homozygotes.

Submissions (2):

Institute of Human Genetics, Clinical Exome/Genome Diagnostics Group, University Hospital Bonn
Classification: Uncertain significance for Cardiac anomalies - developmental delay - facial dysmorphism syndrome. Last evaluated: 2022-02-23. Review status: criteria provided, single submitter. Criteria: ACMG Guidelines, 2015. Collection method: clinical testing. Allele origin: germline. Affected: yes.
Comment: PP2, PP3

Ambry Genetics
Classification: Uncertain significance for Inborn genetic diseases. Last evaluated: 2018-04-02. Review status: criteria provided, single submitter. Criteria: Ambry exome assertion method (8-5-2015). Collection method: clinical testing. Allele origin: germline. Affected: yes. Observed: 1 variant allele.

NM_015335.5(MED13L):c.4576C>A (p.Pro1526Thr)

Gene: MED13L (mediator complex subunit 13L; minus strand). Cytogenetic location: 12q24.21.
Variant type: single nucleotide variant.
Coding change: c.4576C>A on transcript NM_015335.5 (MANE Select); coding-DNA position 4576, C replaced by A.
Protein change: p.Pro1526Thr; replaces proline 1526 with threonine.
Molecular consequence: missense variant.
Genome position (GRCh38, 1-based): chr12:115,983,496, G>T on the plus strand (C>A on the coding strand, the complement: MED13L is on the minus strand). VCF-style: chr12-115983496-G-T. GRCh37 (hg19) VCF-style: chr12-116421301-G-T.
Other names: short protein forms P1526T.
Identifiers: ClinVar variation 985879 (VCV000985879.4), dbSNP rs752521430, ClinGen allele CA6810769.
Genomic context (GRCh38, chr12:115,983,496, plus strand): 5'-CAGCATTCCCTGGCGTAGCTTGTCCCTGTGCTGCTGCTGGTGGGGTCTGGTATTTAGGTG[G>T]TATCAATAGGCTGCTATCAAGCTGCAGAGTGGCTAAATAAGGTGCTGAAAGAATACATGC-3'
Protein context (NP_056150.1, residues 1516-1536): TLQLDSSLLI[Pro1526Thr]PKYQTPPAAA